The following is an entry in ClinVar:

ClinVar aggregate classification (germline): Uncertain significance (1 of 4 stars; one submission).

Conditions:
Epileptic encephalopathy. Identifiers: MedGen C0543888, HP:0200134.

Allele frequency attached by ClinVar (database versions not stated): TOPMed 0.00001; ESP Exome Variant Server 0.00008.
gnomAD v4.1: 6 of 1,612,588 alleles (0.00037%); highest among the groups gnomAD compares: Middle Eastern, 0.016%; no homozygotes.

Submission:

Labcorp Genetics (formerly Invitae), Labcorp
Classification: Uncertain significance for Epileptic encephalopathy. Last evaluated: 2022-08-07. Review status: criteria provided, single submitter. Criteria: Invitae Variant Classification Sherloc (09022015). Collection method: clinical testing. Allele origin: germline.
Comment: In summary, the available evidence is currently insufficient to determine the role of this variant in disease. Therefore, it has been classified as a Variant of Uncertain Significance. Algorithms developed to predict the effect of missense changes on protein structure and function (SIFT, PolyPhen-2, Align-GVGD) all suggest that this variant is likely to be tolerated. ClinVar contains an entry for this variant (Variation ID: 1037680). This variant has not been reported in the literature in individuals affected with FASN-related conditions. This variant is present in population databases (rs374289785, gnomAD 0.002%). This sequence change replaces isoleucine, which is neutral and non-polar, with methionine, which is neutral and non-polar, at codon 1431 of the FASN protein (p.Ile1431Met).

NM_004104.5(FASN):c.4293C>G (p.Ile1431Met)

Gene: FASN (fatty acid synthase; minus strand). Cytogenetic location: 17q25.3.
Variant type: single nucleotide variant.
Coding change: c.4293C>G on transcript NM_004104.5 (MANE Select); coding-DNA position 4293, C replaced by G.
Protein change: p.Ile1431Met; replaces isoleucine 1431 with methionine.
Molecular consequence: missense variant.
Genome position (GRCh38, 1-based): chr17:82,085,151, G>C on the plus strand (C>G on the coding strand, the complement: FASN is on the minus strand). VCF-style: chr17-82085151-G-C. GRCh37 (hg19) VCF-style: chr17-80043027-G-C.
Other names: short protein forms I1431M.
Identifiers: ClinVar variation 1037680 (VCV001037680.8), dbSNP rs374289785, ClinGen allele CA8852099.
Genomic context (GRCh38, chr17:82,085,151, plus strand): 5'-CGAGGTGGCACAGTTGATGGCCTTCAGCCACACAGGCCGGGAAGAGTCTTCGTCAGCCAG[G>C]ATGCCCTACAGCGGGTCGGGGAGGGTCAGGCCACACTCGGCAAGTTGGGAGGTGGGGTGG-3'
Protein context (NP_004095.4, residues 1421-1441): SFRWVESLKG[Ile1431Met]LADEDSSRPV